The following is an entry in ClinVar:

NM_013275.6(ANKRD11):c.3139C>T (p.Gln1047Ter)

Gene: ANKRD11 (ankyrin repeat domain 11; minus strand). Cytogenetic location: 16q24.3.
Variant type: single nucleotide variant.
Coding change: c.3139C>T on transcript NM_013275.6 (MANE Select); coding-DNA position 3139, C replaced by T.
Protein change: p.Gln1047Ter; replaces glutamine 1047 with a stop codon.
Molecular consequence: nonsense.
Genome position (GRCh38, 1-based): chr16:89,283,403, G>A on the plus strand (C>T on the coding strand, the complement: ANKRD11 is on the minus strand). VCF-style: chr16-89283403-G-A. GRCh37 (hg19) VCF-style: chr16-89349811-G-A.
Other names: c.3139C>T, p.Gln1047Ter (NM_001256182.2, NM_001256183.2); short protein forms Q1047*.
Identifiers: ClinVar variation 4879309 (VCV004879309.1).

ClinVar aggregate classification (germline): Likely pathogenic (1 of 4 stars; one submission).

Conditions:
KBG syndrome (KBGS). Also called: ANKRD11-Related KBG Syndrome. Identifiers: Orphanet 2332, MedGen C0220687, MONDO:0007846, OMIM 148050.

Submission:

Clinical Genomics Laboratory, Washington University in St. Louis
Classification: Likely pathogenic for KBG syndrome. Last evaluated: 2025-11-13. Review status: criteria provided, single submitter. Criteria: ACMG Guidelines, 2015. Collection method: clinical testing. Allele origin: germline. Affected: yes.
Comment: The ANKRD11 c.3139C>T (p.Gln1047*) variant, to our knowledge, has not been reported in the medical literature. This variant is absent from the general population (gnomAD v.2.1.1), indicating it is not a common variant. This variant leads to a premature termination codon, which is predicted to lead to nonsense-mediated decay. Based on available information and the ACMG/AMP guidelines for variant interpretation (Richards S et al., PMID: 25741868), this variant is classified as likely pathogenic.